The following is an entry in ClinVar:

ClinVar aggregate classification (germline): Uncertain significance (1 of 4 stars; one submission).

gnomAD v4.1: 1 of 1,614,202 alleles (0.000062%); highest among the groups gnomAD compares: Non-Finnish European, 0.000085%; no homozygotes.

Submission:

GeneDx
Classification: Uncertain significance. Last evaluated: 2025-04-25. Review status: criteria provided, single submitter. Criteria: GeneDx Variant Classification Process June 2021. Collection method: clinical testing. Allele origin: germline. Affected: yes.
Comment: Not observed at significant frequency in large population cohorts (gnomAD); In silico analysis supports that this missense variant has a deleterious effect on protein structure/function; Has not been previously published as pathogenic or benign to our knowledge

NM_003128.3(SPTBN1):c.938A>T (p.Asp313Val)

Gene: SPTBN1 (spectrin beta, non-erythrocytic 1; plus strand). Cytogenetic location: 2p16.2.
Variant type: single nucleotide variant.
Coding change: c.938A>T on transcript NM_003128.3 (MANE Select); coding-DNA position 938, A replaced by T.
Protein change: p.Asp313Val; replaces aspartic acid 313 with valine.
Molecular consequence: missense variant.
Genome position (GRCh38, 1-based): chr2:54,622,361, A>T. VCF-style: chr2-54622361-A-T. GRCh37 (hg19) VCF-style: chr2-54849498-A-T.
Other names: c.899A>T, p.Asp300Val (NM_178313.3); short protein forms D300V, D313V.
Identifiers: ClinVar variation 4527576 (VCV004527576.1).